The following is an entry in ClinVar:

ClinVar aggregate classification (germline): Benign. Review status: criteria provided, multiple submitters, no conflicts (2 of 4 stars). 2 submissions from 2 submitters: Benign (2). Last evaluated 2018-06-19.

Allele frequency attached by ClinVar (database versions not stated): gnomAD 0.20553; 1000 Genomes Project 30x 0.29544; TOPMed 0.23616; 1000 Genomes Project 0.29054; ESP Exome Variant Server 0.13006.
gnomAD v4.1: 117,612 of 1,496,274 alleles (7.9%); highest among the groups gnomAD compares: African/African-American, 53%; 16,710 homozygotes.

Submissions (2):

GeneDx
Classification: Benign. Last evaluated: 2018-06-19. Review status: criteria provided, single submitter. Criteria: GeneDx Variant Classification (06012015). Collection method: clinical testing. Allele origin: germline. Affected: yes.
Comment: This variant is considered likely benign or benign based on one or more of the following criteria: it is a conservative change, it occurs at a poorly conserved position in the protein, it is predicted to be benign by multiple in silico algorithms, and/or has population frequency not consistent with disease.

Breakthrough Genomics
Classification: Benign. Review status: criteria provided, single submitter. Criteria: ACMG Guidelines, 2015. Collection method: not provided. Allele origin: germline. Inheritance: Autosomal recessive inheritance. Affected: yes.

NM_198576.4(AGRN):c.4879+43T>C

Gene: AGRN (agrin; plus strand). Cytogenetic location: 1p36.33.
Variant type: single nucleotide variant.
Coding change: c.4879+43T>C on transcript NM_198576.4 (MANE Select); 43 bases into the intron after coding-DNA position 4879, T replaced by C.
Molecular consequence: intron variant.
Genome position (GRCh38, 1-based): chr1:1,050,080, T>C. VCF-style: chr1-1050080-T-C. GRCh37 (hg19) VCF-style: chr1-985460-T-C.
Other names: c.4879+43T>C (NM_001305275.2); c.4564+43T>C (NM_001364727.2).
Identifiers: ClinVar variation 677953 (VCV000677953.2), dbSNP rs2275811, ClinGen allele CA509729.